The following is an entry in ClinVar:

NM_024529.5(CDC73):c.1054A>C (p.Asn352His)

Gene: CDC73 (cell division cycle 73; plus strand). Cytogenetic location: 1q31.2.
Variant type: single nucleotide variant.
Coding change: c.1054A>C on transcript NM_024529.5 (MANE Select); coding-DNA position 1054, A replaced by C.
Protein change: p.Asn352His; replaces asparagine 352 with histidine.
Molecular consequence: missense variant.
Genome position (GRCh38, 1-based): chr1:193,212,088, A>C. VCF-style: chr1-193212088-A-C. GRCh37 (hg19) VCF-style: chr1-193181218-A-C.
Other names: short protein forms N352H.
Identifiers: ClinVar variation 1476077 (VCV001476077.8), dbSNP rs1677289702, ClinGen allele CA344077461.
Genomic context (GRCh38, chr1:193,212,088, plus strand): 5'-TATGACACAGAGTTGTGATTTTTTTTCTTTTTCACAGTTTCTCAAGCAAGACCTCCCCCA[A>C]ATCAGAAGAAAGGTGAGGTTGTGCATATGATTTTAAACTTAACTTTAAAAAGTAAATGAT-3'
Protein context (NP_078805.3, residues 342-362): RPVSQARPPP[Asn352His]QKKGSRTPII

ClinVar aggregate classification (germline): Uncertain significance (1 of 4 stars; one submission).

Conditions:
Parathyroid carcinoma (PRTC). Also called: CDC73-Related Parathyroid Carcinoma; Parathyroid gland carcinoma. Identifiers: Orphanet 143, MedGen C0687150, MONDO:0012004, OMIM 608266, HP:0006780.

Submission:

Labcorp Genetics (formerly Invitae), Labcorp
Classification: Uncertain significance for Parathyroid carcinoma. Last evaluated: 2020-11-03. Review status: criteria provided, single submitter. Criteria: Invitae Variant Classification Sherloc (09022015). Collection method: clinical testing. Allele origin: germline.
Comment: Algorithms developed to predict the effect of missense changes on protein structure and function (SIFT, PolyPhen-2, Align-GVGD) all suggest that this variant is likely to be tolerated, but these predictions have not been confirmed by published functional studies and their clinical significance is uncertain. In summary, the available evidence is currently insufficient to determine the role of this variant in disease. Therefore, it has been classified as a Variant of Uncertain Significance. This variant has not been reported in the literature in individuals with CDC73-related conditions. This variant is not present in population databases (ExAC no frequency). This sequence change replaces asparagine with histidine at codon 352 of the CDC73 protein (p.Asn352His). The asparagine residue is moderately conserved and there is a small physicochemical difference between asparagine and histidine.